The following is an entry in ClinVar:

ClinVar aggregate classification (germline): Benign/Likely benign. Review status: criteria provided, multiple submitters, no conflicts (2 of 4 stars). 4 submissions from 4 submitters: Benign (1); Likely benign (3). Last evaluated 2026-10-01.

Conditions:
CACNA1B-related disorder. Also called: CACNA1B-related condition.

Allele frequency attached by ClinVar (database versions not stated): ESP Exome Variant Server 0.00008; gnomAD exomes 0.00011 and 0.00056; TOPMed 0.00032; ExAC 0.00034; gnomAD 0.00007.
gnomAD v4.1: 174 of 1,611,852 alleles (0.011%); highest among the groups gnomAD compares: Admixed American, 0.24%; no homozygotes.

Submissions (4):

CeGaT Center for Human Genetics Tuebingen
Classification: Likely benign. Last evaluated: 2026-10-01. Review status: criteria provided, single submitter. Criteria: CeGaT Center For Human Genetics Tuebingen Variant Classification Criteria Version 2. Collection method: clinical testing. Allele origin: germline. Affected: yes. Observed: 3 variant alleles.
Comment: CACNA1B: BP4, BP7

Labcorp Genetics (formerly Invitae), Labcorp
Classification: Benign. Last evaluated: 2026-01-05. Review status: criteria provided, single submitter. Criteria: Invitae Variant Classification Sherloc (09022015). Collection method: clinical testing. Allele origin: germline.

PreventionGenetics, part of Exact Sciences
Classification: Likely benign for CACNA1B-related condition. Last evaluated: 2024-11-25. Review status: criteria provided, single submitter. Criteria: ACMG Guidelines, 2015. Collection method: clinical testing. Allele origin: germline.
Comment: This variant is classified as likely benign based on ACMG/AMP sequence variant interpretation guidelines (Richards et al. 2015 PMID: 25741868, with internal and published modifications).

Blueprint Genetics
Classification: Likely benign. Last evaluated: 2020-10-14. Review status: criteria provided, single submitter. Criteria: ACMG Guidelines, 2015. Collection method: clinical testing. Allele origin: germline.

NM_000718.4(CACNA1B):c.6927C>T (p.Arg2309=)

Gene: CACNA1B (calcium voltage-gated channel subunit alpha1 B; plus strand). Cytogenetic location: 9q34.3.
Variant type: single nucleotide variant.
Coding change: c.6927C>T on transcript NM_000718.4 (MANE Select); coding-DNA position 6927, C replaced by T.
Protein change: p.Arg2309=; no amino-acid change (arginine 2309 retained).
Molecular consequence: synonymous variant. On other transcripts: 3 prime UTR variant (1).
Genome position (GRCh38, 1-based): chr9:138,121,906, C>T. VCF-style: chr9-138121906-C-T. GRCh37 (hg19) VCF-style: chr9-141016358-C-T.
Other names: c.6927C>T (NM_000718.3); c.*26C>T (NM_001243812.2).
Identifiers: ClinVar variation 1561433 (VCV001561433.12), dbSNP rs200857014, ClinGen allele CA5377838.